The following is an entry in ClinVar:

NC_012920.1(MT-CYB):m.14950C>T

Gene: MT-CYB (mitochondrially encoded cytochrome b; plus strand).
Variant type: single nucleotide variant.
Genome position: chrM-14950-C-T.
Identifiers: ClinVar variation 143869 (VCV000143869.4), dbSNP rs527236166, ClinGen allele CA270602.

ClinVar aggregate classification (germline): Benign. Review status: criteria provided, single submitter (1 of 4 stars). 2 submissions from 2 submitters: Benign (1). 1 of the submissions does not count toward it. Last evaluated 2022-05-04.

Conditions:
Familial cancer of breast. Also called: BREAST CANCER, FAMILIAL; Hereditary breast cancer; hereditary breast carcinoma. Identifiers: Orphanet 227535, MedGen C0346153, MONDO:0016419, OMIM 114480. Disease mechanism: loss of function.

Submissions (2):

Mendelics
Classification: Benign. Last evaluated: 2022-05-04. Review status: criteria provided, single submitter. Criteria: Mendelics Assertion Criteria 2019. Collection method: clinical testing. Allele origin: germline.

Department of Zoology Govt. MVM College
Classification: Likely pathogenic for Familial cancer of breast. Review status: no assertion criteria provided. Collection method: not provided. Allele origin: unknown. Not counted in ClinVar's aggregate classification.
Comment: KM268024
ClinVar note: Converted during submission from probable-pathogenic to Likely pathogenic.